The following is an entry in ClinVar:

NM_000257.4(MYH7):c.5157+5G>A

Genes: MHRT (myosin heavy chain associated RNA transcript; plus strand), MYH7 (myosin heavy chain 7; minus strand), LOC126861897 (BRD4-independent group 4 enhancer GRCh37_chr14:23884455-23885654; plus strand). Cytogenetic location: 14q11.2.
Variant type: single nucleotide variant.
Coding change: c.5157+5G>A on transcript NM_000257.4 (MANE Select); 5 bases into the intron after coding-DNA position 5157, G replaced by A.
Molecular consequence: intron variant. On other transcripts: non-coding transcript variant (1).
Genome position (GRCh38, 1-based): chr14:23,415,624, C>T on the plus strand (G>A on the coding strand, the complement: MYH7 is on the minus strand). VCF-style: chr14-23415624-C-T. GRCh37 (hg19) VCF-style: chr14-23884833-C-T.
Other names: c.5157+5G>A (NM_001407004.1).
Identifiers: ClinVar variation 3650735 (VCV003650735.2).

ClinVar aggregate classification (germline): Uncertain significance (1 of 4 stars; one submission).

Conditions:
Hypertrophic cardiomyopathy. Also called: HYPERTROPHIC MYOCARDIOPATHY. Identifiers: Orphanet 217569, MedGen C0007194, MeSH D002312, MONDO:0005045, HP:0001639.

Submission:

Labcorp Genetics (formerly Invitae), Labcorp
Classification: Uncertain significance for Hypertrophic cardiomyopathy. Last evaluated: 2024-04-24. Review status: criteria provided, single submitter. Criteria: Invitae Variant Classification Sherloc (09022015). Collection method: clinical testing. Allele origin: germline.
Comment: This sequence change falls in intron 35 of the MYH7 gene. It does not directly change the encoded amino acid sequence of the MYH7 protein. It affects a nucleotide within the consensus splice site. This variant is not present in population databases (gnomAD no frequency). This variant has not been reported in the literature in individuals affected with MYH7-related conditions. Variants that disrupt the consensus splice site are a relatively common cause of aberrant splicing (PMID: 17576681, 9536098). Algorithms developed to predict the effect of sequence changes on RNA splicing suggest that this variant is not likely to affect RNA splicing. In summary, the available evidence is currently insufficient to determine the role of this variant in disease. Therefore, it has been classified as a Variant of Uncertain Significance.

Literature cited by the submitters: PubMed 17576681; PubMed 9536098.